The following is an entry in ClinVar:

ClinVar aggregate classification (germline): Uncertain significance (3 of 4 stars; one submission).

Conditions:
Mucopolysaccharidosis type 1. Also called: IDUA deficiency; MPS I; Mucopolysaccharidosis Type I. Identifiers: Orphanet 579, MedGen C0023786, MONDO:0001586.

Submission:

ClinGen Lysosomal Storage Disorder Variant Curation Expert Panel
Classification: Uncertain significance for Mucopolysaccharidosis type 1. Last evaluated: 2026-04-06. Review status: reviewed by expert panel. Criteria: ClinGen LSD ACMG Specifications IDUA V1.2.0. Collection method: curation. Allele origin: germline. Inheritance: Autosomal recessive inheritance.
Comment: The NM_000203.5:c.469T>C (p.Ser157Pro) variant in IDUA is a missense variant resulting in the substitution of serine by proline at amino acid 157. This variant has been reported in at least five individuals with MPS Type 1. In one patient, the variant was seen in conjunction with the pathogenic variant c.1A>C, with phase confirmed through parental testing (PMID: 31236806). The variant has also been detected in the homozygous state in at least three other patients (PMID: 31386236). Of note, in one case (PMID: 35005816) the patient was homozygous for the c.469T>C variant, but also the likely pathogenic variant c.523_543del. The presence of this alternative molecular explanation raises suspicion that the in-frame deletion is the disease-causing variant, and that technical limitations on sequencing may have precluded this in cis disease-causing variant from being detected in other cases. There was insufficient phenotypic specificity reported in the cases to apply the PP4 criterion. The variant is absent from gnomAD v4.1.0 (PM2_Supporting). The computational predictor REVEL gives a score of 0.618, which is insufficient for application of PP3. Therefore, at this stage, this variant meets the criteria to be classified as a variant of uncertain significance for MPS I based on the IDUA-specific ACMG/AMP criteria applied, as specified by the ClinGen Lysosomal Diseases Variant Curation Expert Panel (Specifications Version 1.2.0): PM2_Supporting (Classification approved by the ClinGen Lysosomal Diseases Variant Curation Expert Panel, April 6, 2026)

NM_000203.5(IDUA):c.469T>C (p.Ser157Pro)

Gene: IDUA (alpha-L-iduronidase; plus strand). Cytogenetic location: 4p16.3.
Variant type: single nucleotide variant.
Coding change: c.469T>C on transcript NM_000203.5 (MANE Select); coding-DNA position 469, T replaced by C.
Protein change: p.Ser157Pro; replaces serine 157 with proline.
Molecular consequence: missense variant. On other transcripts: non-coding transcript variant (1).
Genome position (GRCh38, 1-based): chr4:1,000,965, T>C. VCF-style: chr4-1000965-T-C. GRCh37 (hg19) VCF-style: chr4-994753-T-C.
Other names: NM_001363576.1:c.73T>C; c.73T>C, p.Ser25Pro (NM_001363576.1); short protein forms S157P, S25P.
Identifiers: ClinVar variation 4871852 (VCV004871852.1).
Genomic context (GRCh38, chr4:1,000,965, plus strand): 5'-TCGGGCCACTTCACTGACTTTGAGGACAAGCAGCAGGTGTTTGAGTGGAAGGACTTGGTC[T>C]CCAGCCTGGCCAGGAGATACATCGGTGGGCGAGCGCAGGCCCTGGGGCCCTGGCCGGGGC-3'
Protein context (NP_000194.2, residues 147-167): QQVFEWKDLV[Ser157Pro]SLARRYIGRY